The following is an entry in ClinVar:

NM_001077446.4(TSEN34):c.*262T>C

Gene: TSEN34 (tRNA splicing endonuclease subunit 34; plus strand). Cytogenetic location: 19q13.42.
Variant type: single nucleotide variant.
Coding change: c.*262T>C on transcript NM_001077446.4 (MANE Select); 262 bases downstream of the stop codon, T replaced by C.
Molecular consequence: 3 prime UTR variant. On other transcripts: missense variant (1).
Genome position (GRCh38, 1-based): chr19:54,193,624, T>C. VCF-style: chr19-54193624-T-C. GRCh37 (hg19) VCF-style: chr19-54697479-T-C.
Other names: c.*262T>C (NM_001282332.2, NM_001386740.1, NM_024075.5); c.892T>C, p.Phe298Leu (NM_001282333.2); short protein forms F298L.
Identifiers: ClinVar variation 3034728 (VCV003034728.2), dbSNP rs186694687, ClinGen allele CA309376930.
Genomic context (GRCh38, chr19:54,193,624, plus strand): 5'-TTCACACTGTGAGCTTCCCGAGAATGGGGCCTGGGTTTGATTCATCTGTTTTCTACAGGG[T>C]TTAAGTCTCAGGAGGTCTCAATAAACTTGGTATATAAATGTTCATGATTTGAATGTTTGC-3'

ClinVar aggregate classification (germline): Benign (0 of 4 stars; one submission).

Conditions:
TSEN34-related disorder. Also called: TSEN34-related condition.

Allele frequency attached by ClinVar (database versions not stated): gnomAD exomes 0.00026; ExAC 0.00073; gnomAD 0.00285; TOPMed 0.00297; 1000 Genomes Project 0.00479; 1000 Genomes Project 30x 0.00531.
gnomAD v4.1: 730 of 1,263,596 alleles (0.058%); highest among the groups gnomAD compares: African/African-American, 1%; 5 homozygotes.

Submission:

PreventionGenetics, part of Exact Sciences
Classification: Benign for TSEN34-related condition. Last evaluated: 2019-03-21. Review status: no assertion criteria provided. Collection method: clinical testing. Allele origin: germline.
Comment: This variant is classified as benign based on ACMG/AMP sequence variant interpretation guidelines (Richards et al. 2015 PMID: 25741868, with internal and published modifications).